The following is an entry in ClinVar:

ClinVar aggregate classification (germline): Benign. Review status: criteria provided, single submitter (1 of 4 stars). 2 submissions from 2 submitters: Benign (1). 1 of the submissions does not count toward it. Last evaluated 2019-12-31.

Conditions:
ADGRG2-related disorder. Also called: ADGRG2-related condition.

Allele frequency attached by ClinVar (database versions not stated): gnomAD exomes 0.00055 and 0.00170; ExAC 0.00214; 1000 Genomes Project 0.00450; 1000 Genomes Project 30x 0.00520; gnomAD 0.00556 and 0.00590; TOPMed 0.00655; ESP Exome Variant Server 0.00710.
gnomAD v4.1: 1,275 of 1,195,248 alleles (0.11%); highest among the groups gnomAD compares: African/African-American, 1.9%; 10 homozygotes.

Submissions (2):

Labcorp Genetics (formerly Invitae), Labcorp
Classification: Benign. Last evaluated: 2019-12-31. Review status: criteria provided, single submitter. Criteria: Invitae Variant Classification Sherloc (09022015). Collection method: clinical testing. Allele origin: germline.

PreventionGenetics, part of Exact Sciences
Classification: Likely benign for ADGRG2-related condition. Last evaluated: 2019-10-04. Review status: no assertion criteria provided. Collection method: clinical testing. Allele origin: germline. Not counted in ClinVar's aggregate classification.
Comment: This variant is classified as likely benign based on ACMG/AMP sequence variant interpretation guidelines (Richards et al. 2015 PMID: 25741868, with internal and published modifications).

NM_001079858.3(ADGRG2):c.1265+10C>T

Gene: ADGRG2 (adhesion G protein-coupled receptor G2; minus strand). Cytogenetic location: Xp22.13.
Variant type: single nucleotide variant.
Coding change: c.1265+10C>T on transcript NM_001079858.3 (MANE Select); 10 bases into the intron after coding-DNA position 1265, C replaced by T.
Molecular consequence: intron variant.
Genome position (GRCh38, 1-based): chrX:19,010,603, G>A on the plus strand (C>T on the coding strand, the complement: ADGRG2 is on the minus strand). VCF-style: chrX-19010603-G-A. GRCh37 (hg19) VCF-style: chrX-19028721-G-A.
Other names: c.1151+10C>T (NM_001184835.2); c.1193+10C>T (NM_001184836.2); c.1175+10C>T (NM_001184837.2); c.1217+10C>T (NM_001184833.2); c.1256+10C>T (NM_005756.4); c.1199+10C>T (NM_001079860.3); c.1223+10C>T (NM_001079859.3); c.1265+10C>T (NM_001184834.2).
Identifiers: ClinVar variation 733038 (VCV000733038.6), dbSNP rs111774151, ClinGen allele CA10362563.